The following is an entry in ClinVar:

ClinVar aggregate classification (germline): Likely pathogenic (1 of 4 stars; one submission).

Conditions:
Mitochondrial trifunctional protein deficiency. Identifiers: Orphanet 746, MedGen C1969443, MONDO:0012172.

Submission:

Labcorp Genetics (formerly Invitae), Labcorp
Classification: Likely pathogenic for Mitochondrial trifunctional protein deficiency. Last evaluated: 2025-01-28. Review status: criteria provided, single submitter. Criteria: Invitae Variant Classification Sherloc (09022015). Collection method: clinical testing. Allele origin: germline.
Comment: This sequence change affects an acceptor splice site in intron 11 of the HADHB gene. It is expected to disrupt RNA splicing. Variants that disrupt the donor or acceptor splice site typically lead to a loss of protein function (PMID: 16199547), and loss-of-function variants in HADHB are known to be pathogenic (PMID: 9259266, 12754706). This variant is not present in population databases (gnomAD no frequency). This variant has not been reported in the literature in individuals affected with HADHB-related conditions. Algorithms developed to predict the effect of sequence changes on RNA splicing suggest that this variant may disrupt the consensus splice site. In summary, the currently available evidence indicates that the variant is pathogenic, but additional data are needed to prove that conclusively. Therefore, this variant has been classified as Likely Pathogenic.

Literature cited by the submitters: PubMed 16199547; PubMed 9259266; PubMed 12754706.

NM_000183.3(HADHB):c.1014-2A>G

Gene: HADHB (hydroxyacyl-CoA dehydrogenase trifunctional multienzyme complex subunit beta; plus strand). Cytogenetic location: 2p23.3.
Variant type: single nucleotide variant.
Coding change: c.1014-2A>G on transcript NM_000183.3 (MANE Select); the canonical splice acceptor site of the intron before coding-DNA position 1014, A replaced by G.
Molecular consequence: splice acceptor variant.
Genome position (GRCh38, 1-based): chr2:26,283,002, A>G. VCF-style: chr2-26283002-A-G. GRCh37 (hg19) VCF-style: chr2-26505870-A-G.
Other names: c.948-2A>G (NM_001281513.2); c.969-2A>G (NM_001281512.2).
Identifiers: ClinVar variation 3729722 (VCV003729722.2).